The following is an entry in ClinVar:

ClinVar aggregate classification (germline): Benign/Likely benign. Review status: criteria provided, multiple submitters, no conflicts (2 of 4 stars). 12 submissions from 12 submitters: Benign (5); Likely benign (5). 2 of the submissions do not count toward it. Last evaluated 2026-08-01.

Conditions:
Early-infantile DEE. Also called: Early infantile epileptic encephalopathy; Ohtahara syndrome; Early infantile epileptic encephalopathy with suppression bursts. Identifiers: Orphanet 1934, MedGen C0393706, MONDO:0800491.
Inborn genetic diseases. Identifiers: MedGen C0950123, MeSH D030342.

Allele frequency attached by ClinVar (database versions not stated): TOPMed 0.00288; ESP Exome Variant Server 0.00317; gnomAD exomes 0.00369 and 0.00376; 1000 Genomes Project 0.00379; 1000 Genomes Project 30x 0.00406; gnomAD 0.00439 and 0.00445; ExAC 0.00440.
gnomAD v4.1: 6,065 of 1,603,512 alleles (0.38%); highest among the groups gnomAD compares: Non-Finnish European, 0.38%; 27 homozygotes.

Submissions (12):

CeGaT Center for Human Genetics Tuebingen
Classification: Likely benign. Last evaluated: 2026-08-01. Review status: criteria provided, single submitter. Criteria: CeGaT Center For Human Genetics Tuebingen Variant Classification Criteria Version 2. Collection method: clinical testing. Allele origin: germline. Affected: yes. Observed: 22 variant alleles.
Comment: KCNQ2: BP4, BP7, BS1

Labcorp Genetics (formerly Invitae), Labcorp
Classification: Benign for Early-infantile DEE. Last evaluated: 2026-02-02. Review status: criteria provided, single submitter. Criteria: Invitae Variant Classification Sherloc (09022015). Collection method: clinical testing. Allele origin: germline.

Blueprint Genetics
Classification: Likely benign. Last evaluated: 2024-11-23. Review status: criteria provided, single submitter. Criteria: ACMG Guidelines, 2015. Collection method: clinical testing. Allele origin: germline.

Athena Diagnostics
Classification: Benign. Last evaluated: 2020-02-03. Review status: criteria provided, single submitter. Criteria: Athena Diagnostics Criteria. Collection method: clinical testing. Allele origin: unknown.

Ambry Genetics
Classification: Likely benign for Inborn genetic diseases. Last evaluated: 2016-03-02. Review status: criteria provided, single submitter. Criteria: Ambry Variant Classification Scheme 2023. Collection method: clinical testing. Allele origin: germline.

Eurofins Ntd Llc (ga)
Classification: Benign. Last evaluated: 2015-04-14. Review status: criteria provided, single submitter. Criteria: EGL Classification Definitions 2015. Collection method: clinical testing. Allele origin: germline. Observed: 1 variant allele, 1 heterozygote.

Genetic Services Laboratory, University of Chicago
Classification: Likely benign for AllHighlyPenetrant. Last evaluated: 2014-03-18. Review status: criteria provided, single submitter. Criteria: ACMG Guidelines, 2007. Collection method: clinical testing. Allele origin: germline. Inheritance: Autosomal dominant inheritance.

GeneDx
Classification: Benign. Last evaluated: 2013-02-27. Review status: criteria provided, single submitter. Criteria: GeneDx Variant Classification (06012015). Collection method: clinical testing. Allele origin: germline. Affected: yes.
Comment: This variant is considered likely benign or benign based on one or more of the following criteria: it is a conservative change, it occurs at a poorly conserved position in the protein, it is predicted to be benign by multiple in silico algorithms, and/or has population frequency not consistent with disease.

Breakthrough Genomics
Classification: Likely benign. Review status: criteria provided, single submitter. Criteria: ACMG Guidelines, 2015. Collection method: not provided. Allele origin: germline. Inheritance: Autosomal dominant inheritance. Affected: yes.

PreventionGenetics, part of Exact Sciences
Classification: Benign. Review status: criteria provided, single submitter. Criteria: ACMG Guidelines, 2015. Collection method: clinical testing. Allele origin: germline.

Clinical Genetics DNA and cytogenetics Diagnostics Lab, Erasmus MC, Erasmus Medical Center
Classification: Likely benign. Review status: no assertion criteria provided. Collection method: clinical testing. Allele origin: germline. Affected: yes. Study: VKGL Data-share Consensus. Not counted in ClinVar's aggregate classification.

Diagnostic Laboratory, Department of Genetics, University Medical Center Groningen
Classification: Likely benign. Review status: no assertion criteria provided. Collection method: clinical testing. Allele origin: germline. Affected: yes. Study: VKGL Data-share Consensus. Not counted in ClinVar's aggregate classification.

NM_172107.4(KCNQ2):c.2031G>A (p.Arg677=)

Gene: KCNQ2 (potassium voltage-gated channel subfamily Q member 2; minus strand). Cytogenetic location: 20q13.33.
Variant type: single nucleotide variant.
Coding change: c.2031G>A on transcript NM_172107.4 (MANE Select); coding-DNA position 2031, G replaced by A.
Protein change: p.Arg677=; no amino-acid change (arginine 677 retained).
Molecular consequence: synonymous variant.
Genome position (GRCh38, 1-based): chr20:63,407,232, C>T on the plus strand (G>A on the coding strand, the complement: KCNQ2 is on the minus strand). VCF-style: chr20-63407232-C-T. GRCh37 (hg19) VCF-style: chr20-62038585-C-T.
Other names: p.R677R:CGG>CGA; c.1947G>A, p.Arg649= (NM_004518.6); c.1977G>A, p.Arg659= (NM_172106.3); c.1938G>A, p.Arg646= (NM_172108.5).
Identifiers: ClinVar variation 129340 (VCV000129340.58), dbSNP rs35647984, ClinGen allele CA288930.
Genomic context (GRCh38, chr20:63,407,232, plus strand): 5'-GCCCGTGGAGCTGCTGGAGCGCACGATCTTGACAATGCAGCCGTGCCTGTCGACATGCTC[C>T]CGGCTGTCTTCCGGGCTGTGGTACGGCGGCGCCGGCTCCGGCTCTTTGGCCCCAAAGTAG-3'
Protein context (NP_742105.1, residues 667-687): APPYHSPEDS[Arg677=]EHVDRHGCIV